The following is an entry in ClinVar:

NM_001110556.2(FLNA):c.1753G>A (p.Gly585Arg)

Gene: FLNA (filamin A; minus strand). Cytogenetic location: Xq28.
Variant type: single nucleotide variant.
Coding change: c.1753G>A on transcript NM_001110556.2 (MANE Select); coding-DNA position 1753, G replaced by A.
Protein change: p.Gly585Arg; replaces glycine 585 with arginine.
Molecular consequence: missense variant.
Genome position (GRCh38, 1-based): chrX:154,364,896, C>T on the plus strand (G>A on the coding strand, the complement: FLNA is on the minus strand). VCF-style: chrX-154364896-C-T. GRCh37 (hg19) VCF-style: chrX-153593264-C-T.
Other names: c.1753G>A, p.Gly585Arg (NM_001456.4); short protein forms G585R.
Identifiers: ClinVar variation 1311290 (VCV001311290.2), dbSNP rs2148116539, ClinGen allele CA415242575.
Genomic context (GRCh38, chrX:154,364,896, plus strand): 5'-CGTCCCCGATAGCCTCCACCACAAAGTCTGCTGACTTGCCAACGACGCCGCCCTCCAGCC[C>T]AGGGCCCCAGGCCCGTACCTTCTGATTGCCACACTCGGTGCCCACCTTCACTTCGAAGGG-3'
Protein context (NP_001104026.1, residues 575-595): GNQKVRAWGP[Gly585Arg]LEGGVVGKSA

ClinVar aggregate classification (germline): Uncertain significance (1 of 4 stars; one submission).

Submission:

GeneDx
Classification: Uncertain significance. Last evaluated: 2019-12-24. Review status: criteria provided, single submitter. Criteria: GeneDx Variant Classification Process June 2021. Collection method: clinical testing. Allele origin: germline. Affected: yes.
Comment: Has not been previously published as pathogenic or benign to our knowledge; Not observed in large population cohorts (Lek et al., 2016); In silico analysis, which includes protein predictors and evolutionary conservation, supports a deleterious effect